The following is an entry in ClinVar:

NM_001297595.2(SIN3B):c.1747G>A (p.Asp583Asn)

Gene: SIN3B (SIN3 transcription regulator family member B; plus strand). Cytogenetic location: 19p13.11.
Variant type: single nucleotide variant.
Coding change: c.1747G>A on transcript NM_001297595.2 (MANE Select); coding-DNA position 1747, G replaced by A.
Protein change: p.Asp583Asn; replaces aspartic acid 583 with asparagine.
Molecular consequence: missense variant.
Genome position (GRCh38, 1-based): chr19:16,866,497, G>A. VCF-style: chr19-16866497-G-A. GRCh37 (hg19) VCF-style: chr19-16977308-G-A.
Other names: c.517G>A, p.Asp173Asn (NM_001297597.2); c.1843G>A, p.Asp615Asn (NM_015260.4); short protein forms D173N, D583N, D615N.
Identifiers: ClinVar variation 3390624 (VCV003390624.3).

ClinVar aggregate classification (germline): Uncertain significance (1 of 4 stars; one submission).

Submission:

GeneDx
Classification: Uncertain significance. Last evaluated: 2026-10-09. Review status: criteria provided, single submitter. Criteria: GeneDx Variant Classification Process June 2021. Collection method: clinical testing. Allele origin: germline.
Comment: Not observed at significant frequency in large population cohorts (gnomAD); In silico analysis supports that this missense variant has a deleterious effect on protein structure/function; This variant is associated with the following publications: (PMID: 35813072)